The following is an entry in ClinVar:

NM_014000.3(VCL):c.2539C>G (p.Pro847Ala)

Gene: VCL (vinculin; plus strand). Cytogenetic location: 10q22.2.
Variant type: single nucleotide variant.
Coding change: c.2539C>G on transcript NM_014000.3 (MANE Select); coding-DNA position 2539, C replaced by G.
Protein change: p.Pro847Ala; replaces proline 847 with alanine.
Molecular consequence: missense variant.
Genome position (GRCh38, 1-based): chr10:74,107,334, C>G. VCF-style: chr10-74107334-C-G. GRCh37 (hg19) VCF-style: chr10-75867092-C-G.
Other names: c.2539C>G, p.Pro847Ala (NM_003373.4); short protein forms P847A.
Identifiers: ClinVar variation 2442879 (VCV002442879.5), dbSNP rs372711612, ClinGen allele CA377263836.

ClinVar aggregate classification (germline): Uncertain significance. Review status: criteria provided, multiple submitters, no conflicts (2 of 4 stars). 2 submissions from 2 submitters: Uncertain significance (2). Last evaluated 2023-12-26.

Conditions:
Cardiomyopathy (CMYO). Also called: Cardiomyopathies. Identifiers: Orphanet 167848, MedGen C0878544, MONDO:0004994, HP:0001638. Inheritance: Various modes of inheritance.
Dilated cardiomyopathy 1W (CMD1W). Identifiers: Orphanet 154, MedGen C1969639, MONDO:0012667, OMIM 611407.

Allele frequency attached by ClinVar (database versions not stated): gnomAD exomes below 0.00001.
gnomAD v4.1: 4 of 1,614,196 alleles (0.00025%); highest among the groups gnomAD compares: Non-Finnish European, 0.00034%; no homozygotes.

Submissions (2):

Labcorp Genetics (formerly Invitae), Labcorp
Classification: Uncertain significance for Dilated cardiomyopathy 1W. Last evaluated: 2023-12-26. Review status: criteria provided, single submitter. Criteria: Invitae Variant Classification Sherloc (09022015). Collection method: clinical testing. Allele origin: germline.
Comment: This sequence change replaces proline, which is neutral and non-polar, with alanine, which is neutral and non-polar, at codon 847 of the VCL protein (p.Pro847Ala). This variant is not present in population databases (gnomAD no frequency). This variant has not been reported in the literature in individuals affected with VCL-related conditions. ClinVar contains an entry for this variant (Variation ID: 2442879). An algorithm developed to predict the effect of missense changes on protein structure and function (PolyPhen-2) suggests that this variant is likely to be disruptive. In summary, the available evidence is currently insufficient to determine the role of this variant in disease. Therefore, it has been classified as a Variant of Uncertain Significance.

CHEO Genetics Diagnostic Laboratory, Children's Hospital of Eastern Ontario
Classification: Uncertain significance for Cardiomyopathy. Last evaluated: 2022-05-24. Review status: criteria provided, single submitter. Criteria: ACMG Guidelines, 2015. Collection method: clinical testing. Allele origin: germline.